The following is an entry in ClinVar:

ClinVar aggregate classification (germline): Uncertain significance (1 of 4 stars; one submission).

Submission:

GeneDx
Classification: Uncertain significance. Last evaluated: 2026-03-26. Review status: criteria provided, single submitter. Criteria: GeneDx Variant Classification Process June 2021. Collection method: clinical testing. Allele origin: germline.
Comment: Not observed at significant frequency in large population cohorts (gnomAD); In-frame deletion of 1 amino acid(s) in a non-repeat region; In silico analysis supports a deleterious effect on protein structure/function; Has not been previously published as pathogenic or benign to our knowledge

NM_022841.7(RFX7):c.2412_2414del (p.Met805del)

Gene: RFX7 (regulatory factor X7; minus strand). Cytogenetic location: 15q21.3.
Variant type: Deletion.
Coding change: c.2412_2414del on transcript NM_022841.7 (MANE Select); coding-DNA positions 2412 to 2414, 3 bases deleted (TAT; older notation c.2412_2414delTAT).
Protein change: p.Met805del; deletes methionine 805.
Molecular consequence: inframe deletion.
Genome position (GRCh38, 1-based): chr15:56,095,314-56,095,316, ATA deleted on the plus strand (TAT on the coding strand, the reverse complement: RFX7 is on the minus strand); deleting any 3 consecutive bases within chr15:56,095,314-56,095,317 gives the same sequence; the c. name uses the placement nearest the transcript's 3' end. VCF-style (leftmost placement, unchanged base first): chr15-56095313-CATA-C. GRCh37 (hg19) VCF-style: chr15-56387511-CATA-C.
Other names: c.2121_2123del, p.Met708del (NM_001368073.2, NM_001368074.1, NM_001370554.1); c.2412_2414del, p.Met805del (NM_001370561.1); short protein forms M708del, M805del.
Identifiers: ClinVar variation 5017631 (VCV005017631.1).
Genomic context (GRCh38, chr15:56,095,313, plus strand): 5'-TCCTTCTAATTCCCAAACAGATTTCTCTAAGTCATTGATATCAGAGTGCTCAGGAATTGT[CATA>C]ACACTGATATCTTGCTGTTGTTCACAACTGGCAGATATAAACTCAGAATCTTTAGTGATT-3'